The following is an entry in ClinVar:

ClinVar aggregate classification (germline): Likely benign. Review status: criteria provided, multiple submitters, no conflicts (2 of 4 stars). 3 submissions from 3 submitters: Likely benign (3). Last evaluated 2026-06-01.

Conditions:
Baraitser-winter syndrome 2. Identifiers: Orphanet 2995, MedGen C3281235, MONDO:0013812, OMIM 614583.
Autosomal dominant nonsyndromic hearing loss 20. Identifiers: Orphanet 90635, MedGen C1858172, MONDO:0011480, OMIM 604717.

Allele frequency attached by ClinVar (database versions not stated): gnomAD exomes 0.00003 and 0.00004; ExAC 0.00004; ESP Exome Variant Server 0.00008; gnomAD 0.00008; TOPMed 0.00008; 1000 Genomes Project 0.00020; 1000 Genomes Project 30x 0.00031.
gnomAD v4.1: 76 of 1,613,986 alleles (0.0047%); highest among the groups gnomAD compares: African/African-American, 0.02%; no homozygotes.

Submissions (3):

CeGaT Center for Human Genetics Tuebingen
Classification: Likely benign. Last evaluated: 2026-06-01. Review status: criteria provided, single submitter. Criteria: CeGaT Center For Human Genetics Tuebingen Variant Classification Criteria Version 2. Collection method: clinical testing. Allele origin: germline. Affected: yes. Observed: 2 variant alleles.
Comment: ACTG1: BP4, BP7

Labcorp Genetics (formerly Invitae), Labcorp
Classification: Likely benign for Baraitser-winter syndrome 2; Autosomal dominant nonsyndromic hearing loss 20. Last evaluated: 2025-12-15. Review status: criteria provided, single submitter. Criteria: Invitae Variant Classification Sherloc (09022015). Collection method: clinical testing. Allele origin: germline.

GeneDx
Classification: Likely benign. Last evaluated: 2019-06-25. Review status: criteria provided, single submitter. Criteria: GeneDx Variant Classification Process June 2021. Collection method: clinical testing. Allele origin: germline. Affected: yes.

NM_001614.5(ACTG1):c.816C>T (p.Cys272=)

Gene: ACTG1 (actin gamma 1; minus strand). Cytogenetic location: 17q25.3.
Variant type: single nucleotide variant.
Coding change: c.816C>T on transcript NM_001614.5 (MANE Select); coding-DNA position 816, C replaced by T.
Protein change: p.Cys272=; no amino-acid change (cysteine 272 retained).
Molecular consequence: synonymous variant. On other transcripts: non-coding transcript variant (1).
Genome position (GRCh38, 1-based): chr17:81,511,095, G>A on the plus strand (C>T on the coding strand, the complement: ACTG1 is on the minus strand). VCF-style: chr17-81511095-G-A. GRCh37 (hg19) VCF-style: chr17-79478121-G-A.
Other names: c.816C>T, p.Cys272= (NM_001199954.3).
Identifiers: ClinVar variation 1183424 (VCV001183424.14), dbSNP rs376841359, ClinGen allele CA8835931.
Genomic context (GRCh38, chr17:81,511,095, plus strand): 5'-GTCTTTGCGGATGTCCACGTCACACTTCATGATGGAGTTGAAGGTGGTCTCGTGGATGCC[G>A]CAAGATTCCATACCTAGGGGACAGAGCCCTCCCTTAGTGATGCTGTGTCACCGAGGATGT-3'
Protein context (NP_001605.1, residues 262-282): FQPSFLGMES[Cys272=]GIHETTFNSI